The following is an entry in ClinVar:

NM_001079855.2(GYG2):c.8-146C>A

Gene: GYG2 (glycogenin 2; plus strand). Cytogenetic location: Xp22.33.
Variant type: single nucleotide variant.
Coding change: c.8-146C>A on transcript NM_001079855.2 (MANE Select); 146 bases into the intron before coding-DNA position 8, C replaced by A.
Molecular consequence: intron variant. On other transcripts: missense variant (2).
Genome position (GRCh38, 1-based): chrX:2,843,067, C>A. VCF-style: chrX-2843067-C-A. GRCh37 (hg19) VCF-style: chrX-2761108-C-A.
Other names: c.77C>A, p.Ala26Asp (NM_001184703.2, NM_003918.3); c.8-146C>A (NM_001184702.2); c.-316-10913C>A (NM_001184704.2); short protein forms A26D.
Identifiers: ClinVar variation 1317898 (VCV001317898.6), dbSNP rs760717128, ClinGen allele CA10336973.

ClinVar aggregate classification (germline): Conflicting classifications of pathogenicity. Review status: criteria provided, conflicting classifications (1 of 4 stars). 2 submissions from 2 submitters: Uncertain significance (1); Likely benign (1). Last evaluated 2024-10-14.

Allele frequency attached by ClinVar (database versions not stated): gnomAD 0.00006 and 0.00009; TOPMed 0.00011; gnomAD exomes 0.00019 and 0.00021; 1000 Genomes Project 30x 0.00021; 1000 Genomes Project 0.00026; ExAC 0.00051.

Submissions (2):

Labcorp Genetics (formerly Invitae), Labcorp
Classification: Uncertain significance. Last evaluated: 2024-10-14. Review status: criteria provided, single submitter. Criteria: Invitae Variant Classification Sherloc (09022015). Collection method: clinical testing. Allele origin: germline.
Comment: This sequence change replaces alanine, which is neutral and non-polar, with aspartic acid, which is acidic and polar, at codon 26 of the GYG2 protein (p.Ala26Asp). The frequency data for this variant in the population databases is considered unreliable, as metrics indicate poor data quality at this position in the gnomAD database. This variant has not been reported in the literature in individuals affected with GYG2-related conditions. ClinVar contains an entry for this variant (Variation ID: 1317898). An algorithm developed to predict the effect of missense changes on protein structure and function (PolyPhen-2) suggests that this variant is likely to be disruptive. In summary, the available evidence is currently insufficient to determine the role of this variant in disease. Therefore, it has been classified as a Variant of Uncertain Significance.

GeneDx
Classification: Likely benign. Last evaluated: 2021-04-22. Review status: criteria provided, single submitter. Criteria: GeneDx Variant Classification Process June 2021. Collection method: clinical testing. Allele origin: germline. Affected: yes.